The following is an entry in ClinVar:

ClinVar aggregate classification (germline): Uncertain significance (1 of 4 stars; one submission).

Submission:

Labcorp Genetics (formerly Invitae), Labcorp
Classification: Uncertain significance. Last evaluated: 2023-07-07. Review status: criteria provided, single submitter. Criteria: Invitae Variant Classification Sherloc (09022015). Collection method: clinical testing. Allele origin: germline.
Comment: This sequence change replaces lysine, which is basic and polar, with arginine, which is basic and polar, at codon 454 of the SCN3A protein (p.Lys454Arg). This variant is not present in population databases (gnomAD no frequency). This missense change has been observed in individual(s) with clinical features of SCN3A-related conditions (Invitae). ClinVar contains an entry for this variant (Variation ID: 2414815). Advanced modeling of protein sequence and biophysical properties (such as structural, functional, and spatial information, amino acid conservation, physicochemical variation, residue mobility, and thermodynamic stability) performed at Invitae indicates that this missense variant is not expected to disrupt SCN3A protein function. In summary, the available evidence is currently insufficient to determine the role of this variant in disease. Therefore, it has been classified as a Variant of Uncertain Significance.

NM_006922.4(SCN3A):c.1361A>G (p.Lys454Arg)

Gene: SCN3A (sodium voltage-gated channel alpha subunit 3; minus strand). Cytogenetic location: 2q24.3.
Variant type: single nucleotide variant.
Coding change: c.1361A>G on transcript NM_006922.4 (MANE Select); coding-DNA position 1361, A replaced by G.
Protein change: p.Lys454Arg; replaces lysine 454 with arginine.
Molecular consequence: missense variant.
Genome position (GRCh38, 1-based): chr2:165,154,471, T>C on the plus strand (A>G on the coding strand, the complement: SCN3A is on the minus strand). VCF-style: chr2-165154471-T-C. GRCh37 (hg19) VCF-style: chr2-166010981-T-C.
Other names: c.1361A>G, p.Lys454Arg (NM_001081676.2, NM_001081677.2); short protein forms K454R.
Identifiers: ClinVar variation 2414815 (VCV002414815.5), dbSNP rs2468414038, ClinGen allele CA349237904.